The following is an entry in ClinVar:

NM_152564.5(VPS13B):c.6455G>T (p.Gly2152Val)

Gene: VPS13B (vacuolar protein sorting 13 homolog B; plus strand). Cytogenetic location: 8q22.2.
Variant type: single nucleotide variant.
Coding change: c.6455G>T on transcript NM_152564.5 (MANE Select); coding-DNA position 6455, G replaced by T.
Protein change: p.Gly2152Val; replaces glycine 2152 with valine.
Molecular consequence: missense variant.
Genome position (GRCh38, 1-based): chr8:99,717,171, G>T. VCF-style: chr8-99717171-G-T. GRCh37 (hg19) VCF-style: chr8-100729399-G-T.
Other names: c.6530G>T, p.Gly2177Val (NM_017890.5); short protein forms G2152V, G2177V.
Identifiers: ClinVar variation 3345424 (VCV003345424.1).

ClinVar aggregate classification (germline): Uncertain significance (0 of 4 stars; one submission).

Conditions:
VPS13B-related disorder. Also called: VPS13B-related condition.

Submission:

PreventionGenetics, part of Exact Sciences
Classification: Uncertain significance for VPS13B-related condition. Last evaluated: 2024-07-25. Review status: no assertion criteria provided. Collection method: clinical testing. Allele origin: germline.
Comment: The VPS13B c.6455G>T variant is predicted to result in the amino acid substitution p.Gly2152Val. To our knowledge, this variant has not been reported in the literature or in a large population database, indicating this variant is rare. At this time, the clinical significance of this variant is uncertain due to the absence of conclusive functional and genetic evidence.